The following is an entry in ClinVar:

NM_001160372.4(TRAPPC9):c.3158G>A (p.Arg1053His)

Gene: TRAPPC9 (trafficking protein particle complex subunit 9; minus strand). Cytogenetic location: 8q24.3.
Variant type: single nucleotide variant.
Coding change: c.3158G>A on transcript NM_001160372.4 (MANE Select); coding-DNA position 3158, G replaced by A.
Protein change: p.Arg1053His; replaces arginine 1053 with histidine.
Molecular consequence: missense variant. On other transcripts: non-coding transcript variant (1).
Genome position (GRCh38, 1-based): chr8:139,732,100, C>T on the plus strand (G>A on the coding strand, the complement: TRAPPC9 is on the minus strand). VCF-style: chr8-139732100-C-T. GRCh37 (hg19) VCF-style: chr8-140744343-C-T.
Other names: c.3131G>A, p.Arg1044His (NM_001321646.2); c.3179G>A, p.Arg1060His (NM_001374682.1); c.3047G>A, p.Arg1016His (NM_001374683.1); c.3014G>A, p.Arg1005His (NM_001374684.1); c.3158G>A, p.Arg1053His (NM_031466.8); short protein forms R1053H, R1044H, R1005H, R1016H, R1060H.
Identifiers: ClinVar variation 424038 (VCV000424038.9), dbSNP rs369074996, ClinGen allele CA4892790.

ClinVar aggregate classification (germline): Uncertain significance. Review status: criteria provided, multiple submitters, no conflicts (2 of 4 stars). 3 submissions from 3 submitters: Uncertain significance (3). Last evaluated 2023-02-23.

Conditions:
Inborn genetic diseases. Identifiers: MedGen C0950123, MeSH D030342.

Allele frequency attached by ClinVar (database versions not stated): gnomAD 0.00001; gnomAD exomes 0.00002; TOPMed 0.00002; ExAC 0.00004; ESP Exome Variant Server 0.00008.
gnomAD v4.1: 23 of 1,606,108 alleles (0.0014%); highest among the groups gnomAD compares: East Asian, 0.0067%; no homozygotes.

Submissions (3):

Ambry Genetics
Classification: Uncertain significance for Inborn genetic diseases. Last evaluated: 2023-02-23. Review status: criteria provided, single submitter. Criteria: Ambry Variant Classification Scheme 2023. Collection method: clinical testing. Allele origin: germline.

GeneDx
Classification: Uncertain significance. Last evaluated: 2022-12-21. Review status: criteria provided, single submitter. Criteria: GeneDx Variant Classification Process June 2021. Collection method: clinical testing. Allele origin: germline. Affected: yes.
Comment: Not observed at significant frequency in large population cohorts (gnomAD); In silico analysis supports that this missense variant does not alter protein structure/function; Has not been previously published as pathogenic or benign to our knowledge

Labcorp Genetics (formerly Invitae), Labcorp
Classification: Uncertain significance. Last evaluated: 2022-08-16. Review status: criteria provided, single submitter. Criteria: Invitae Variant Classification Sherloc (09022015). Collection method: clinical testing. Allele origin: germline.
Comment: In summary, the available evidence is currently insufficient to determine the role of this variant in disease. Therefore, it has been classified as a Variant of Uncertain Significance. Algorithms developed to predict the effect of missense changes on protein structure and function output the following: SIFT: "Not Available"; PolyPhen-2: "Benign"; Align-GVGD: "Not Available". The histidine amino acid residue is found in multiple mammalian species, which suggests that this missense change does not adversely affect protein function. ClinVar contains an entry for this variant (Variation ID: 424038). This variant has not been reported in the literature in individuals affected with TRAPPC9-related conditions. This variant is present in population databases (rs369074996, gnomAD 0.01%). This sequence change replaces arginine, which is basic and polar, with histidine, which is basic and polar, at codon 1151 of the TRAPPC9 protein (p.Arg1151His).